The following is an entry in ClinVar:

ClinVar aggregate classification (germline): Likely benign. Review status: criteria provided, multiple submitters, no conflicts (2 of 4 stars). 4 submissions from 4 submitters: Likely benign (4). Last evaluated 2025-03-07.

Conditions:
Cardiomyopathy (CMYO). Also called: Cardiomyopathies. Identifiers: Orphanet 167848, MedGen C0878544, MONDO:0004994, HP:0001638. Inheritance: Various modes of inheritance.
Hypertrophic cardiomyopathy. Also called: HYPERTROPHIC MYOCARDIOPATHY. Identifiers: Orphanet 217569, MedGen C0007194, MeSH D002312, MONDO:0005045, HP:0001639.

Allele frequency attached by ClinVar (database versions not stated): gnomAD 0.00001; gnomAD exomes 0.00001; TOPMed 0.00001.
gnomAD v4.1: 11 of 1,571,644 alleles (0.0007%); highest among the groups gnomAD compares: Admixed American, 0.0037%; no homozygotes.

Submissions (4):

Labcorp Genetics (formerly Invitae), Labcorp
Classification: Likely benign for Hypertrophic cardiomyopathy. Last evaluated: 2025-03-07. Review status: criteria provided, single submitter. Criteria: Invitae Variant Classification Sherloc (09022015). Collection method: clinical testing. Allele origin: germline.

All of Us Research Program, National Institutes of Health
Classification: Likely benign for Hypertrophic cardiomyopathy. Last evaluated: 2024-02-05. Review status: criteria provided, single submitter. Criteria: ACMG Guidelines, 2015. Collection method: clinical testing. Allele origin: germline. Inheritance: Autosomal dominant inheritance. Observed: 3 variant alleles, 3 heterozygotes.
Comment: This study involves interpretation of variants in research participants for the purpose of population health screening. Participant phenotype was not available at the time of variant classification. Additional details can be found in publication PMID: 35346344, PMCID: PMC8962531

GeneDx
Classification: Likely benign. Last evaluated: 2023-10-11. Review status: criteria provided, single submitter. Criteria: GeneDx Variant Classification Process June 2021. Collection method: clinical testing. Allele origin: germline. Affected: yes.
Comment: See Variant Classification Assertion Criteria.

Color Diagnostics, LLC DBA Color Health
Classification: Likely benign for Cardiomyopathy. Last evaluated: 2020-04-13. Review status: criteria provided, single submitter. Criteria: ACMG Guidelines, 2015. Collection method: clinical testing. Allele origin: germline.

NM_000256.3(MYBPC3):c.773-13C>A

Gene: MYBPC3 (myosin binding protein C3; minus strand). Cytogenetic location: 11p11.2.
Variant type: single nucleotide variant.
Coding change: c.773-13C>A on transcript NM_000256.3 (MANE Select); 13 bases into the intron before coding-DNA position 773, C replaced by A.
Molecular consequence: intron variant.
Genome position (GRCh38, 1-based): chr11:47,347,918, G>T on the plus strand (C>A on the coding strand, the complement: MYBPC3 is on the minus strand). VCF-style: chr11-47347918-G-T. GRCh37 (hg19) VCF-style: chr11-47369469-G-T.
Identifiers: ClinVar variation 924252 (VCV000924252.10), dbSNP rs1394988381, ClinGen allele CA599059952.